The following is an entry in ClinVar:

NM_006204.4(PDE6C):c.396A>G (p.Lys132=)

Gene: PDE6C (phosphodiesterase 6C; plus strand). Cytogenetic location: 10q23.33.
Variant type: single nucleotide variant.
Coding change: c.396A>G on transcript NM_006204.4 (MANE Select); coding-DNA position 396, A replaced by G.
Protein change: p.Lys132=; no amino-acid change (lysine 132 retained).
Molecular consequence: synonymous variant.
Genome position (GRCh38, 1-based): chr10:93,613,121, A>G. VCF-style: chr10-93613121-A-G. GRCh37 (hg19) VCF-style: chr10-95372878-A-G.
Identifiers: ClinVar variation 4990085 (VCV004990085.1).

ClinVar aggregate classification (germline): Likely benign (1 of 4 stars; one submission).

Conditions:
PDE6C-related disorder. Also called: PDE6C-related condition.

gnomAD v4.1: 10 of 1,614,052 alleles (0.00062%); highest among the groups gnomAD compares: South Asian, 0.0022%; no homozygotes.

Submission:

PreventionGenetics, part of Exact Sciences
Classification: Likely benign for PDE6C-related condition. Last evaluated: 2026-08-26. Review status: criteria provided, single submitter. Criteria: ACMG Guidelines, 2015. Collection method: clinical testing. Allele origin: germline.
Comment: This variant is classified as likely benign based on ACMG/AMP sequence variant interpretation guidelines (Richards et al. 2015 PMID: 25741868, with internal and published modifications).